The following is an entry in ClinVar:

ClinVar aggregate classification (germline): Uncertain significance (1 of 4 stars; one submission).

Allele frequency attached by ClinVar (database versions not stated): gnomAD 0.00001; TOPMed 0.00001; ExAC 0.00003; gnomAD exomes 0.00003; ESP Exome Variant Server 0.00015; 1000 Genomes Project 30x 0.00016; 1000 Genomes Project 0.00020.
gnomAD v4.1: 39 of 1,614,140 alleles (0.0024%); highest among the groups gnomAD compares: East Asian, 0.0045%; no homozygotes.

Submission:

Labcorp Genetics (formerly Invitae), Labcorp
Classification: Uncertain significance. Last evaluated: 2021-05-31. Review status: criteria provided, single submitter. Criteria: Invitae Variant Classification Sherloc (09022015). Collection method: clinical testing. Allele origin: germline.
Comment: This variant is present in population databases (rs147536756, ExAC 0.01%). This sequence change replaces arginine with glutamine at codon 79 of the DHCR24 protein (p.Arg79Gln). The arginine residue is highly conserved and there is a small physicochemical difference between arginine and glutamine. This variant has been observed in individual(s) with clinical features of desmosterolosis (PMID: 31130284). Algorithms developed to predict the effect of missense changes on protein structure and function are either unavailable or do not agree on the potential impact of this missense change (SIFT: "Deleterious"; PolyPhen-2: "Benign"; Align-GVGD: "Class C0"). Algorithms developed to predict the effect of sequence changes on RNA splicing suggest that this variant may create or strengthen a splice site, but this prediction has not been confirmed by published transcriptional studies. In summary, the available evidence is currently insufficient to determine the role of this variant in disease. Therefore, it has been classified as a Variant of Uncertain Significance.

Literature cited by the submitters: PubMed 31130284.

NM_014762.4(DHCR24):c.236G>A (p.Arg79Gln)

Gene: DHCR24 (24-dehydrocholesterol reductase; minus strand). Cytogenetic location: 1p32.3.
Variant type: single nucleotide variant.
Coding change: c.236G>A on transcript NM_014762.4 (MANE Select); coding-DNA position 236, G replaced by A.
Protein change: p.Arg79Gln; replaces arginine 79 with glutamine.
Molecular consequence: missense variant.
Genome position (GRCh38, 1-based): chr1:54,883,769, C>T on the plus strand (G>A on the coding strand, the complement: DHCR24 is on the minus strand). VCF-style: chr1-54883769-C-T. GRCh37 (hg19) VCF-style: chr1-55349442-C-T.
Other names: short protein forms R79Q.
Identifiers: ClinVar variation 1494371 (VCV001494371.7), dbSNP rs147536756, ClinGen allele CA870869.